The following is an entry in ClinVar:

ClinVar aggregate classification (germline): Uncertain significance (1 of 4 stars; one submission).

Allele frequency attached by ClinVar (database versions not stated): gnomAD exomes below 0.00001.
gnomAD v4.1: 7 of 1,613,832 alleles (0.00043%); highest among the groups gnomAD compares: Non-Finnish European, 0.00059%; no homozygotes.

Submission:

Labcorp Genetics (formerly Invitae), Labcorp
Classification: Uncertain significance. Last evaluated: 2022-07-08. Review status: criteria provided, single submitter. Criteria: Invitae Variant Classification Sherloc (09022015). Collection method: clinical testing. Allele origin: germline.
Comment: This sequence change replaces serine, which is neutral and polar, with leucine, which is neutral and non-polar, at codon 490 of the KIAA0556 protein (p.Ser490Leu). This variant is present in population databases (no rsID available, gnomAD 0.002%). This variant has not been reported in the literature in individuals affected with KIAA0556-related conditions. Algorithms developed to predict the effect of missense changes on protein structure and function output the following: SIFT: "Tolerated"; PolyPhen-2: "Benign"; Align-GVGD: "Class C0". The leucine amino acid residue is found in multiple mammalian species, which suggests that this missense change does not adversely affect protein function. In summary, the available evidence is currently insufficient to determine the role of this variant in disease. Therefore, it has been classified as a Variant of Uncertain Significance.

NM_015202.5(KATNIP):c.1469C>T (p.Ser490Leu)

Genes: KATNIP (katanin interacting protein; plus strand), LOC100128079 (uncharacterized LOC100128079; minus strand). Cytogenetic location: 16p12.1.
Variant type: single nucleotide variant.
Coding change: c.1469C>T on transcript NM_015202.5 (MANE Select); coding-DNA position 1469, C replaced by T.
Protein change: p.Ser490Leu; replaces serine 490 with leucine.
Molecular consequence: missense variant. On other transcripts: non-coding transcript variant (1).
Genome position (GRCh38, 1-based): chr16:27,708,784, C>T. VCF-style: chr16-27708784-C-T. GRCh37 (hg19) VCF-style: chr16-27720105-C-T.
Other names: short protein forms S490L.
Identifiers: ClinVar variation 1955717 (VCV001955717.5), dbSNP rs779040410, ClinGen allele CA395314280.